The following is an entry in ClinVar:

ClinVar aggregate classification (germline): Pathogenic/Likely pathogenic. Review status: no assertion criteria provided (0 of 4 stars). 2 submissions from 2 submitters: Pathogenic (1); Likely pathogenic (1). Last evaluated 2018-09-10.

Conditions:
Hearing loss, autosomal recessive. Also called: Rare autosomal recessive non-syndromic sensorineural deafness type DFNB; Nonsyndromic Hearing Loss, Recessive; Deafness, autosomal recessive; Autosomal recessive nonsyndromic deafness. Identifiers: Orphanet 90635, Orphanet 90636, MedGen C1846647, MONDO:0019588, OMIM 607197.
Deafness. Identifiers: MedGen C0011053, HP:0000365.

Submissions (2):

Center for Statistical Genetics, Columbia University
Classification: Pathogenic for Deafness. Last evaluated: 2018-09-10. Review status: no assertion criteria provided. Collection method: research. Allele origin: inherited. Affected: yes.
Comment: Autosomal recessive

University of Washington Center for Mendelian Genomics, University of Washington
Classification: Likely pathogenic for non-syndromic autosomal recessive hearing loss. Review status: no assertion criteria provided. Collection method: research. Allele origin: inherited. Affected: yes.

Literature cited by the submitters: PubMed 30303587 (cited by University of Washington Center for Mendelian Genomics, University of Washington).

NM_138691.3(TMC1):c.1209G>A (p.Trp403Ter)

Gene: TMC1 (transmembrane channel like 1; plus strand). Cytogenetic location: 9q21.13.
Variant type: single nucleotide variant.
Coding change: c.1209G>A on transcript NM_138691.3 (MANE Select); coding-DNA position 1209, G replaced by A.
Protein change: p.Trp403Ter; replaces tryptophan 403 with a stop codon.
Molecular consequence: nonsense.
Genome position (GRCh38, 1-based): chr9:72,789,302, G>A. VCF-style: chr9-72789302-G-A. GRCh37 (hg19) VCF-style: chr9-75404218-G-A.
Other names: short protein forms W403*.
Identifiers: ClinVar variation 560914 (VCV000560914.2), dbSNP rs773851192, ClinGen allele CA373505103.